The following is an entry in ClinVar:

NM_001447.3(FAT2):c.5813A>G (p.Lys1938Arg)

Genes: FAT2 (FAT atypical cadherin 2; minus strand), SLC36A1 (solute carrier family 36 member 1; plus strand). Cytogenetic location: 5q33.1.
Variant type: single nucleotide variant.
Coding change: c.5813A>G on transcript NM_001447.3 (MANE Select); coding-DNA position 5813, A replaced by G.
Protein change: p.Lys1938Arg; replaces lysine 1938 with arginine.
Molecular consequence: missense variant.
Genome position (GRCh38, 1-based): chr5:151,545,314, T>C on the plus strand (A>G on the coding strand, the complement: FAT2 is on the minus strand). VCF-style: chr5-151545314-T-C. GRCh37 (hg19) VCF-style: chr5-150924875-T-C.
Other names: short protein forms K1938R.
Identifiers: ClinVar variation 4847133 (VCV004847133.1).
Genomic context (GRCh38, chr5:151,545,314, plus strand): 5'-AAAGAAATTTTTACCAGCGCAGTGTCTTGATACAAGCCATCAGAAGCCCTGATGGTGAGC[T>C]TCCGAGAGAGTCCCAGGAAAGCAGGATTCAGCACAGATATGCTACCAGTGACAGGATGGA-3'
Protein context (NP_001438.1, residues 1928-1948): LNPAFLGLSR[Lys1938Arg]LTIRASDGLY

ClinVar aggregate classification (germline): Uncertain significance (1 of 4 stars; one submission).

gnomAD v4.1: 23 of 1,613,970 alleles (0.0014%); highest among the groups gnomAD compares: Non-Finnish European, 0.0018%; no homozygotes.

Submission:

Women's Health and Genetics/Laboratory Corporation of America, LabCorp
Classification: Uncertain significance. Last evaluated: 2026-03-18. Review status: criteria provided, single submitter. Criteria: LabCorp Variant Classification Summary - May 2015. Collection method: clinical testing. Allele origin: germline.
Comment: Variant summary: FAT2 c.5813A>G (p.Lys1938Arg) results in a conservative amino acid change in the encoded protein sequence. Algorithms developed to predict the effect of missense changes on protein structure and function are either unavailable or do not agree on the potential impact of this missense change. The variant allele was found at a frequency of 3.2e-05 in 250994 control chromosomes. The available data on variant occurrences in the general population are insufficient to allow any conclusion about variant significance. To our knowledge, no occurrence of c.5813A>G in individuals affected with FAT2-related conditions and no experimental evidence demonstrating its impact on protein function have been reported. No submitters have cited clinical-significance assessments for this variant to ClinVar. Based on the evidence outlined above, the variant was classified as uncertain significance.